The following is an entry in ClinVar:

NM_002907.4(RECQL):c.1847del (p.Glu616fs)

Genes: PYROXD1 (pyridine nucleotide-disulphide oxidoreductase domain 1; plus strand), RECQL (RecQ like helicase; minus strand). Cytogenetic location: 12p12.1.
Variant type: Deletion.
Coding change: c.1847del on transcript NM_002907.4 (MANE Select); coding-DNA position 1847, one base deleted (A; older notation c.1847delA).
Protein change: p.Glu616fs; shifts the reading frame from glutamic acid 616.
Molecular consequence: frameshift variant. On other transcripts: 3 prime UTR variant (3).
Genome position (GRCh38, 1-based): chr12:21,470,297, T deleted on the plus strand (A on the coding strand, the reverse complement: RECQL is on the minus strand). VCF-style (leftmost placement, unchanged base first): chr12-21470296-CT-C. GRCh37 (hg19) VCF-style: chr12-21623230-CT-C.
Other names: c.1847del, p.Glu616fs (NM_032941.3); c.*1543del (NM_001350912.2, NM_001350913.2, NM_024854.5); short protein forms E616fs.
Identifiers: ClinVar variation 1781261 (VCV001781261.2), dbSNP rs1942907481, ClinGen allele CA945486103.

ClinVar aggregate classification (germline): Uncertain significance (1 of 4 stars; one submission).

Allele frequency attached by ClinVar (database versions not stated): TOPMed below 0.00001; gnomAD 0.00001.

Submission:

Ambry Genetics
Classification: Uncertain significance. Last evaluated: 2022-05-20. Review status: criteria provided, single submitter. Criteria: Ambry Variant Classification Scheme 2023. Collection method: clinical testing. Allele origin: germline.
Comment: The c.1847delA variant, located in coding exon 14 of the RECQL gene, results from a deletion of one nucleotide at nucleotide position 1847, causing a translational frameshift with a predicted alternate stop codon (p.E616Gfs*44). This alteration occurs at the 3' terminus of theRECQL gene, is not expected to trigger nonsense-mediated mRNAdecay and results in the elongation of the protein by 9 amino acids. This frameshift impacts the last 34amino acids of the native protein. The exact functional effect of the altered amino acids is unknown. In addition, the evidence for this gene-disease relationship is limited; therefore, the clinical significance of this alteration is unclear.